The following is an entry in ClinVar:

ClinVar aggregate classification (germline): Uncertain significance (1 of 4 stars; one submission).

Conditions:
Combined oxidative phosphorylation deficiency 55 (COXPD55). Identifiers: MedGen C5676915, MONDO:0859228, OMIM 619743.

gnomAD v4.1: 164 of 1,611,280 alleles (0.01%); highest among the groups gnomAD compares: South Asian, 0.021%; no homozygotes.

Submission:

Juno Genomics, Hangzhou Juno Genomics, Inc
Classification: Uncertain significance for Combined oxidative phosphorylation deficiency 55. Review status: criteria provided, single submitter. Criteria: ACMG Guidelines, 2015. Collection method: clinical testing. Allele origin: germline.
Comment: Absent from controls (or at extremely low frequency if recessive) in Genome Aggregation Database.;Multiple lines of computational evidence support a deleterious effect on the gene or gene product.

NM_005035.4(POLRMT):c.3581+7C>T

Gene: POLRMT (RNA polymerase mitochondrial; minus strand). Cytogenetic location: 19p13.3.
Variant type: single nucleotide variant.
Coding change: c.3581+7C>T on transcript NM_005035.4 (MANE Select); 7 bases into the intron after coding-DNA position 3581, C replaced by T.
Molecular consequence: intron variant.
Genome position (GRCh38, 1-based): chr19:617,563, G>A on the plus strand (C>T on the coding strand, the complement: POLRMT is on the minus strand). VCF-style: chr19-617563-G-A. GRCh37 (hg19) VCF-style: chr19-617563-G-A.
Other names: c.3539+7C>T (NM_001407813.1); c.3560+7C>T (NM_001407811.1); c.3569+7C>T (NM_001407810.1); c.3590+7C>T (NM_001407807.1, NM_001407808.1); c.3572+7C>T (NM_001407809.1); c.3593+7C>T (NM_001407806.1); c.3257+7C>T (NM_001407832.1, NM_001407833.1); c.3356+7C>T (NM_001407830.1); and 10 more.
Identifiers: ClinVar variation 5019985 (VCV005019985.2).